The following is an entry in ClinVar:

NM_006662.3(SRCAP):c.7428T>G (p.Ile2476Met)

Gene: SRCAP (Snf2 related CREBBP activator protein; plus strand). Cytogenetic location: 16p11.2.
Variant type: single nucleotide variant.
Coding change: c.7428T>G on transcript NM_006662.3 (MANE Select); coding-DNA position 7428, T replaced by G.
Protein change: p.Ile2476Met; replaces isoleucine 2476 with methionine.
Molecular consequence: missense variant.
Genome position (GRCh38, 1-based): chr16:30,737,468, T>G. VCF-style: chr16-30737468-T-G. GRCh37 (hg19) VCF-style: chr16-30748789-T-G.
Other names: c.7428T>G (NM_006662.2); short protein forms I2476M.
Identifiers: ClinVar variation 3580211 (VCV003580211.4).

ClinVar aggregate classification (germline): Conflicting classifications of pathogenicity. Review status: criteria provided, conflicting classifications (1 of 4 stars). 3 submissions from 3 submitters: Uncertain significance (2); Likely benign (1). Last evaluated 2025-02-19.

Conditions:
Inborn genetic diseases. Identifiers: MedGen C0950123, MeSH D030342.
Developmental delay, hypotonia, musculoskeletal defects, and behavioral abnormalities. Identifiers: MedGen C5562012, MONDO:0859202, OMIM 619595.
Floating-Harbor syndrome (FLHS). Also called: SRCAP-Related Floating-Harbor Syndrome; Short stature with delayed bone age, expressive language delay, a triangular face with a prominent nose and deep-set eyes; Pelletier-Leisti syndrome. Identifiers: Orphanet 2044, MedGen C0729582, MONDO:0007621, OMIM 136140.

gnomAD v4.1: 39 of 1,591,200 alleles (0.0025%); highest among the groups gnomAD compares: Non-Finnish European, 0.0033%; no homozygotes.

Submissions (3):

Ambry Genetics
Classification: Likely benign for Inborn genetic diseases. Last evaluated: 2025-02-19. Review status: criteria provided, single submitter. Criteria: Ambry Variant Classification Scheme 2023. Collection method: clinical testing. Allele origin: germline.

Labcorp Genetics (formerly Invitae), Labcorp
Classification: Uncertain significance. Last evaluated: 2024-08-29. Review status: criteria provided, single submitter. Criteria: Invitae Variant Classification Sherloc (09022015). Collection method: clinical testing. Allele origin: germline.
Comment: This sequence change replaces isoleucine, which is neutral and non-polar, with methionine, which is neutral and non-polar, at codon 2476 of the SRCAP protein (p.Ile2476Met). This variant is present in population databases (rs775221581, gnomAD 0.006%). This variant has not been reported in the literature in individuals affected with SRCAP-related conditions. Invitae Evidence Modeling of protein sequence and biophysical properties (such as structural, functional, and spatial information, amino acid conservation, physicochemical variation, residue mobility, and thermodynamic stability) indicates that this missense variant is not expected to disrupt SRCAP protein function with a negative predictive value of 80%. In summary, the available evidence is currently insufficient to determine the role of this variant in disease. Therefore, it has been classified as a Variant of Uncertain Significance.

Fulgent Genetics
Classification: Uncertain significance for Floating-Harbor syndrome; Developmental delay, hypotonia, musculoskeletal defects, and behavioral abnormalities. Last evaluated: 2024-02-12. Review status: criteria provided, single submitter. Criteria: ACMG Guidelines, 2015. Collection method: clinical testing. Allele origin: germline.